The following is an entry in ClinVar:

NM_002907.4(RECQL):c.1018C>T (p.His340Tyr)

Gene: RECQL (RecQ like helicase; minus strand). Cytogenetic location: 12p12.1.
Variant type: single nucleotide variant.
Coding change: c.1018C>T on transcript NM_002907.4 (MANE Select); coding-DNA position 1018, C replaced by T.
Protein change: p.His340Tyr; replaces histidine 340 with tyrosine.
Molecular consequence: missense variant.
Genome position (GRCh38, 1-based): chr12:21,475,756, G>A on the plus strand (C>T on the coding strand, the complement: RECQL is on the minus strand). VCF-style: chr12-21475756-G-A. GRCh37 (hg19) VCF-style: chr12-21628690-G-A.
Other names: c.1018C>T, p.His340Tyr (NM_032941.3); short protein forms H340Y.
Identifiers: ClinVar variation 2565562 (VCV002565562.2), dbSNP rs2540346675, ClinGen allele CA384121664.

ClinVar aggregate classification (germline): Uncertain significance (1 of 4 stars; one submission).

Submission:

Ambry Genetics
Classification: Uncertain significance. Last evaluated: 2023-03-18. Review status: criteria provided, single submitter. Criteria: Ambry Variant Classification Scheme 2023. Collection method: clinical testing. Allele origin: germline.
Comment: The p.H340Y variant (also known as c.1018C>T), located in coding exon 8 of the RECQL gene, results from a C to T substitution at nucleotide position 1018. The histidine at codon 340 is replaced by tyrosine, an amino acid with similar properties. This amino acid position is conserved. In addition, this alteration is predicted to be tolerated by in silico analysis. Since supporting evidence is limited at this time, the clinical significance of this alteration remains unclear.